The following is an entry in ClinVar:

NM_001098.3(ACO2):c.1981G>A (p.Gly661Arg)

Genes: ACO2 (aconitase 2; plus strand), POLR3H (RNA polymerase III subunit H; minus strand). Cytogenetic location: 22q13.2.
Variant type: single nucleotide variant.
Coding change: c.1981G>A on transcript NM_001098.3 (MANE Select); coding-DNA position 1981, G replaced by A.
Protein change: p.Gly661Arg; replaces glycine 661 with arginine.
Molecular consequence: missense variant. On other transcripts: 3 prime UTR variant (5).
Genome position (GRCh38, 1-based): chr22:41,527,315, G>A. VCF-style: chr22-41527315-G-A. GRCh37 (hg19) VCF-style: chr22-41923319-G-A.
Other names: c.*1968C>T (NM_001018050.4, NM_001018052.4, NM_001282884.2 and 2 more transcripts); short protein forms G661R.
Identifiers: ClinVar variation 189311 (VCV000189311.14), dbSNP rs752034900, ClinGen allele CA248787.
Genomic context (GRCh38, chr22:41,527,315, plus strand): 5'-TGCCTTATAACCTTACCCCCGCTTGCCTGACAGAAACATGGCATCAGGTGGGTGGTGATC[G>A]GAGACGAGAACTACGGCGAGGGCTCGAGCCGGGAGCATGCAGCTCTGGAGCCTCGCCACC-3'
Protein context (NP_001089.1, residues 651-671): KKHGIRWVVI[Gly661Arg]DENYGEGSSR

ClinVar aggregate classification (germline): Conflicting classifications of pathogenicity. Review status: criteria provided, conflicting classifications (1 of 4 stars). 5 submissions from 5 submitters: Pathogenic (1); Uncertain significance (3). 1 of the submissions does not count toward it. Last evaluated 2026-02-17.

Conditions:
OPTIC ATROPHY 9, AUTOSOMAL RECESSIVE.
Optic atrophy. Identifiers: MedGen C0029124, MONDO:0003608, HP:0000648.
Optic neuropathy. Also called: Optic nerve disorder. Identifiers: MedGen C3887709, MONDO:0002135, HP:0001138.

Allele frequency attached by ClinVar (database versions not stated): gnomAD exomes below 0.00001; ExAC 0.00001.
gnomAD v4.1: 3 of 1,614,142 alleles (0.00019%); highest among the groups gnomAD compares: Non-Finnish European, 0.000085%; no homozygotes.

Submissions (5):

Genetics Laboratory, Great Ormond Street Hospital NHS Foundation Trust, North Thames Genomic Laboratory Hub
Classification: Uncertain significance for Optic neuropathy. Last evaluated: 2026-02-17. Review status: criteria provided, single submitter. Criteria: ACGS Best Practice Guidelines for Variant Classification in Rare Disease 2024 v1.2. Collection method: clinical testing. Allele origin: germline. Affected: yes.
Comment: PM2_moderate, PP3_supporting, PP4_supporting

Labcorp Genetics (formerly Invitae), Labcorp
Classification: Uncertain significance. Last evaluated: 2025-12-30. Review status: criteria provided, single submitter. Criteria: Invitae Variant Classification Sherloc (09022015). Collection method: clinical testing. Allele origin: germline.
Comment: This sequence change replaces glycine, which is neutral and non-polar, with arginine, which is basic and polar, at codon 661 of the ACO2 protein (p.Gly661Arg). This variant is present in population databases (rs752034900, gnomAD 0.004%). This missense change has been observed in individual(s) with clinical features of autosomal dominant ACO2-related conditions (PMID: 25351951, 34056600). ClinVar contains an entry for this variant (Variation ID: 189311). Invitae Evidence Modeling of protein sequence and biophysical properties (such as structural, functional, and spatial information, amino acid conservation, physicochemical variation, residue mobility, and thermodynamic stability) indicates that this missense variant is expected to disrupt ACO2 protein function with a positive predictive value of 80%. Experimental studies have shown that this missense change affects ACO2 function (PMID: 25351951). In summary, the available evidence is currently insufficient to determine the role of this variant in disease. Therefore, it has been classified as a Variant of Uncertain Significance.

Blueprint Genetics
Classification: Uncertain significance. Last evaluated: 2024-04-03. Review status: criteria provided, single submitter. Criteria: ACMG Guidelines, 2015. Collection method: clinical testing. Allele origin: germline.

Institute of Human Genetics, Univ. Regensburg, Univ. Regensburg
Classification: Pathogenic for Optic atrophy. Last evaluated: 2022-01-01. Review status: criteria provided, single submitter. Criteria: ACMG Guidelines, 2015. Collection method: clinical testing. Allele origin: germline. Affected: yes.

OMIM
Classification: Pathogenic for OPTIC ATROPHY 9, AUTOSOMAL RECESSIVE. Last evaluated: 2014-12-01. Review status: no assertion criteria provided. Collection method: literature only. Allele origin: germline. Not counted in ClinVar's aggregate classification.

Literature cited by the submitters: PubMed 25351951 (cited by 3 submitters); PubMed 34056600 (cited by Labcorp Genetics (formerly Invitae), Labcorp and Institute of Human Genetics, Univ. Regensburg, Univ. Regensburg).